The following is an entry in ClinVar:

ClinVar aggregate classification (germline): Uncertain significance (1 of 4 stars; one submission).

Submission:

Labcorp Genetics (formerly Invitae), Labcorp
Classification: Uncertain significance. Last evaluated: 2022-05-25. Review status: criteria provided, single submitter. Criteria: Invitae Variant Classification Sherloc (09022015). Collection method: clinical testing. Allele origin: germline.
Comment: In summary, the available evidence is currently insufficient to determine the role of this variant in disease. Therefore, it has been classified as a Variant of Uncertain Significance. Algorithms developed to predict the effect of missense changes on protein structure and function are either unavailable or do not agree on the potential impact of this missense change (SIFT: "Not Available"; PolyPhen-2: "Probably Damaging"; Align-GVGD: "Not Available"). This variant has not been reported in the literature in individuals affected with FBN3-related conditions. This variant is present in population databases (no rsID available, gnomAD 0.2%). This sequence change replaces aspartic acid, which is acidic and polar, with isoleucine, which is neutral and non-polar, at codon 1243 of the FBN3 protein (p.Asp1243Ile).

NM_032447.5(FBN3):c.3727_3728delinsAT (p.Asp1243Ile)

Gene: FBN3 (fibrillin 3; minus strand). Cytogenetic location: 19p13.2.
Variant type: Indel.
Coding change: c.3727_3728delinsAT on transcript NM_032447.5 (MANE Select); coding-DNA positions 3727 to 3728, GA replaced by AT.
Protein change: p.Asp1243Ile; replaces aspartic acid 1243 with isoleucine.
Molecular consequence: missense variant.
Genome position (GRCh38, 1-based): chr19:8,115,625-8,115,626, TC replaced by AT on the plus strand (GA replaced by AT on the coding strand, the reverse complement: FBN3 is on the minus strand). VCF-style: chr19-8115625-TC-AT. GRCh37 (hg19) VCF-style: chr19-8180509-TC-AT.
Other names: c.3727_3728delinsAT, p.Asp1243Ile (NM_001321431.2); short protein forms D1243I.
Identifiers: ClinVar variation 1920599 (VCV001920599.5), dbSNP rs2512817668, ClinGen allele CA2580097130.